The following is an entry in ClinVar:

ClinVar aggregate classification (germline): Likely pathogenic (1 of 4 stars; one submission).

Conditions:
Citrullinemia. Identifiers: Orphanet 187, MedGen C0175683, MONDO:0015991.

Submission:

Natera, Inc.
Classification: Likely pathogenic for Citrullinemia. Last evaluated: 2024-12-19. Review status: criteria provided, single submitter. Criteria: Natera Variant Classification Schema (03/2026). Collection method: clinical testing. Allele origin: germline.
Comment: The c.1750+1G>A variant in SLC25A13 is a canonical splice donor site variant predicted to affect pre-mRNA splicing, which may result in an abnormal transcript and altered protein product. This variant is expected to result in nonsense mediated decay, truncation, or a dysfunctional protein product. This variant is rare in the general population with a frequency below the threshold expected for the associated phenotype(s). Given the available evidence, this variant is classified as Likely Pathogenic.

NM_014251.3(SLC25A13):c.1750+1G>A

Gene: SLC25A13 (solute carrier family 25 member 13; minus strand). Cytogenetic location: 7q21.3.
Variant type: single nucleotide variant.
Coding change: c.1750+1G>A on transcript NM_014251.3 (MANE Select); the canonical splice donor site of the intron after coding-DNA position 1750, G replaced by A.
Molecular consequence: splice donor variant.
Genome position (GRCh38, 1-based): chr7:96,121,838, C>T on the plus strand (G>A on the coding strand, the complement: SLC25A13 is on the minus strand). VCF-style: chr7-96121838-C-T. GRCh37 (hg19) VCF-style: chr7-95751150-C-T.
Other names: c.1753+1G>A (NM_001160210.2).
Identifiers: ClinVar variation 4815634 (VCV004815634.1).